The following is an entry in ClinVar:

ClinVar aggregate classification (germline): Uncertain significance (1 of 4 stars; one submission).

Conditions:
Early-onset Lafora body disease. Also called: Epilepsy, progressive myoclonic, 10. Identifiers: Orphanet 324290, MedGen C4225258, MONDO:0014717, OMIM 616640.

Allele frequency attached by ClinVar (database versions not stated): gnomAD 0.00001; gnomAD exomes 0.00001; TOPMed 0.00001.

Submission:

Labcorp Genetics (formerly Invitae), Labcorp
Classification: Uncertain significance for Early-onset Lafora body disease. Last evaluated: 2022-11-22. Review status: criteria provided, single submitter. Criteria: Invitae Variant Classification Sherloc (09022015). Collection method: clinical testing. Allele origin: germline.
Comment: In summary, the available evidence is currently insufficient to determine the role of this variant in disease. Therefore, it has been classified as a Variant of Uncertain Significance. This sequence change replaces glycine, which is neutral and non-polar, with arginine, which is basic and polar, at codon 442 of the PRDM8 protein (p.Gly442Arg). This variant has not been reported in the literature in individuals affected with PRDM8-related conditions. ClinVar contains an entry for this variant (Variation ID: 1470607). Advanced modeling of protein sequence and biophysical properties (such as structural, functional, and spatial information, amino acid conservation, physicochemical variation, residue mobility, and thermodynamic stability) performed at Invitae indicates that this missense variant is not expected to disrupt PRDM8 protein function. This variant is not present in population databases (gnomAD no frequency).

NM_001099403.2(PRDM8):c.1324G>A (p.Gly442Arg)

Gene: PRDM8 (PR/SET domain 8; plus strand). Cytogenetic location: 4q21.21.
Variant type: single nucleotide variant.
Coding change: c.1324G>A on transcript NM_001099403.2 (MANE Select); coding-DNA position 1324, G replaced by A.
Protein change: p.Gly442Arg; replaces glycine 442 with arginine.
Molecular consequence: missense variant.
Genome position (GRCh38, 1-based): chr4:80,202,786, G>A. VCF-style: chr4-80202786-G-A. GRCh37 (hg19) VCF-style: chr4-81123940-G-A.
Other names: c.1324G>A, p.Gly442Arg (NM_020226.4); short protein forms G442R.
Identifiers: ClinVar variation 1470607 (VCV001470607.8), dbSNP rs1393840872, ClinGen allele CA357400154.